The following is an entry in ClinVar:

NM_213649.2(SFXN4):c.269del (p.Lys90fs)

Gene: SFXN4 (sideroflexin 4; minus strand). Cytogenetic location: 10q26.11.
Variant type: Deletion.
Coding change: c.269del on transcript NM_213649.2 (MANE Select); coding-DNA position 269, one base deleted (A; older notation c.269delA).
Protein change: p.Lys90fs; shifts the reading frame from lysine 90.
Molecular consequence: frameshift variant.
Genome position (GRCh38, 1-based): chr10:119,161,065, T deleted on the plus strand (A on the coding strand, the reverse complement: SFXN4 is on the minus strand); the first of 2 consecutive T bases (chr10:119,161,065-119,161,066); deleting either gives the same sequence. VCF-style (leftmost placement, unchanged base first): chr10-119161064-CT-C. GRCh37 (hg19) VCF-style: chr10-120920576-CT-C.
Other names: short protein forms K90fs.
Identifiers: ClinVar variation 4850220 (VCV004850220.1).

ClinVar aggregate classification (germline): Likely pathogenic (1 of 4 stars; one submission).

Conditions:
Growth and developmental delay-hypotonia-vision impairment-lactic acidosis syndrome. Also called: Combined oxidative phosphorylation deficiency 18. Identifiers: Orphanet 391348, MedGen C3810001, MONDO:0014261, OMIM 615578.

Submission:

Variantyx, Inc.
Classification: Likely pathogenic for Growth and developmental delay-hypotonia-vision impairment-lactic acidosis syndrome. Last evaluated: 2025-10-27. Review status: criteria provided, single submitter. Criteria: Variantyx Assertion Criteria 2022. Collection method: clinical testing. Allele origin: germline. Inheritance: Autosomal recessive inheritance. Affected: no.
Comment: This is a frameshift variant in the SFXN4 gene (OMIM: 615564). Pathogenic variants in this gene have been associated with autosomal recessive combined oxidative phosphorylation deficiency 18. This variant introduces a premature termination codon in exon 4 out of 14 and is expected to result in loss of function, which is a known disease mechanism for SFXN4 in this disorder (PVS1). This variant is absent from control populations (PM2). Based on the current evidence, this variant is classified as likely pathogenic for autosomal recessive combined oxidative phosphorylation deficiency 18.